The following is an entry in ClinVar:

NM_012203.2(GRHPR):c.413G>A (p.Trp138Ter)

Gene: GRHPR (glyoxylate and hydroxypyruvate reductase; plus strand). Cytogenetic location: 9p13.2.
Variant type: single nucleotide variant.
Coding change: c.413G>A on transcript NM_012203.2 (MANE Select); coding-DNA position 413, G replaced by A.
Protein change: p.Trp138Ter; replaces tryptophan 138 with a stop codon.
Molecular consequence: nonsense.
Genome position (GRCh38, 1-based): chr9:37,428,492, G>A. VCF-style: chr9-37428492-G-A. GRCh37 (hg19) VCF-style: chr9-37428489-G-A.
Other names: short protein forms W138*.
Identifiers: ClinVar variation 2734474 (VCV002734474.3), dbSNP rs2489239970, ClinGen allele CA373442686.

ClinVar aggregate classification (germline): Pathogenic (1 of 4 stars; one submission).

Submission:

Labcorp Genetics (formerly Invitae), Labcorp
Classification: Pathogenic. Last evaluated: 2023-07-15. Review status: criteria provided, single submitter. Criteria: Invitae Variant Classification Sherloc (09022015). Collection method: clinical testing. Allele origin: germline.
Comment: For these reasons, this variant has been classified as Pathogenic. This variant has not been reported in the literature in individuals affected with GRHPR-related conditions. This variant is not present in population databases (gnomAD no frequency). This sequence change creates a premature translational stop signal (p.Trp138*) in the GRHPR gene. It is expected to result in an absent or disrupted protein product. Loss-of-function variants in GRHPR are known to be pathogenic (PMID: 25644115).

Literature cited by the submitters: PubMed 25644115.